The following is an entry in ClinVar:

NM_001267550.2(TTN):c.91356dup (p.Lys30453Ter)

Genes: TTN-AS1 (TTN antisense RNA 1; plus strand), TTN (titin; minus strand). Cytogenetic location: 2q31.2.
Variant type: Duplication.
Coding change: c.91356dup on transcript NM_001267550.2 (MANE Select); coding-DNA position 91356, one base duplicated (T; older notation c.91356dupT).
Protein change: p.Lys30453Ter; replaces lysine 30453 with a stop codon.
Molecular consequence: nonsense.
Genome position (GRCh38, 1-based): chr2:178,551,175, A duplicated on the plus strand (T on the coding strand, the reverse complement: TTN is on the minus strand). VCF-style (leftmost placement, unchanged base first): chr2-178551174-T-TA. GRCh37 (hg19) VCF-style: chr2-179415901-T-TA.
Other names: c.86433dup, p.Lys28812Ter (NM_001256850.1); c.64161dup, p.Lys21388Ter (NM_003319.4); c.83652dup, p.Lys27885Ter (NM_133378.4); c.64536dup, p.Lys21513Ter (NM_133432.3); c.64737dup, p.Lys21580Ter (NM_133437.4); short protein forms K21388*, K28812*, K30453*, K27885*, K21513*, K21580*.
Identifiers: ClinVar variation 4788958 (VCV004788958.1).

ClinVar aggregate classification (germline): Likely pathogenic (1 of 4 stars; one submission).

Conditions:
Autosomal recessive limb-girdle muscular dystrophy type 2J (LGMDR10). Also called: Limb-girdle muscular dystrophy, type 2J; MUSCULAR DYSTROPHY, LIMB-GIRDLE, AUTOSOMAL RECESSIVE 10. Identifiers: Orphanet 140922, MedGen C1837342, MONDO:0012127, OMIM 608807.
Dilated cardiomyopathy 1G (CMD1G). Identifiers: Orphanet 154, MedGen C1858763, MONDO:0011400, OMIM 604145.

Submission:

Labcorp Genetics (formerly Invitae), Labcorp
Classification: Likely pathogenic for Dilated cardiomyopathy 1G; Autosomal recessive limb-girdle muscular dystrophy type 2J. Last evaluated: 2025-11-01. Review status: criteria provided, single submitter. Criteria: Invitae Variant Classification Sherloc (09022015). Collection method: clinical testing. Allele origin: germline.
Comment: This sequence change creates a premature translational stop signal (p.Lys30453*) in the TTN gene. While this is not anticipated to result in nonsense mediated decay, it is expected to create a truncated TTN protein. This variant is not present in population databases (gnomAD no frequency). This premature translational stop signal has been observed in individual(s) with dilated cardiomyopathy (PMID: 31317183). This variant is also known as c.64161_64162insT (p.Lys21388*). This variant is located in the A band of TTN (PMID: 25589632). Truncating variants in this region are significantly overrepresented in patients affected with dilated cardiomyopathy (PMID: 25589632). Truncating variants in this region have also been reported in individuals affected with autosomal recessive centronuclear myopathy (PMID: 23975875). In summary, the currently available evidence indicates that the variant is pathogenic, but additional data are needed to prove that conclusively. Therefore, this variant has been classified as Likely Pathogenic.

Literature cited by the submitters: PubMed 31317183; PubMed 25589632; PubMed 23975875.